The following is an entry in ClinVar:

NM_133642.5(LARGE1):c.-63C>T

Gene: LARGE1 (LARGE xylosyl- and glucuronyltransferase 1; minus strand). Cytogenetic location: 22q12.3.
Variant type: single nucleotide variant.
Coding change: c.-63C>T on transcript NM_133642.5 (MANE Select); 63 bases upstream of the start codon, C replaced by T.
Molecular consequence: 5 prime UTR variant.
Genome position (GRCh38, 1-based): chr22:33,761,539, G>A on the plus strand (C>T on the coding strand, the complement: LARGE1 is on the minus strand). VCF-style: chr22-33761539-G-A. GRCh37 (hg19) VCF-style: chr22-34157526-G-A.
Other names: c.-63C>T (NM_001362949.2, NM_001362951.2, NM_001362953.2 and 7 more transcripts).
Identifiers: ClinVar variation 138075 (VCV000138075.6), dbSNP rs16992986, ClinGen allele CA291867.
Genomic context (GRCh38, chr22:33,761,539, plus strand): 5'-TCTCAGAAGTGGCAATCCCTAATCCCAGCGCCGTTTCTCTGTCCGGAGCATGAAGTCCTC[G>A]GCCTCCCTCATAATACTCTCTGAAAGGAAGAGCAAAGAGGAAGGCCTGAGTTCTTAGCAC-3'

ClinVar aggregate classification (germline): Benign. Review status: criteria provided, multiple submitters, no conflicts (2 of 4 stars). 4 submissions from 3 submitters: Benign (4). Last evaluated 2018-01-12.

Conditions:
Muscular dystrophy-dystroglycanopathy type B6 (MDDGB6). Also called: MUSCULAR DYSTROPHY-DYSTROGLYCANOPATHY (CONGENITAL WITH IMPAIRED INTELLECTUAL DEVELOPMENT), TYPE B, 6; MUSCULAR DYSTROPHY, CONGENITAL, LARGE-RELATED; MUSCULAR DYSTROPHY, CONGENITAL, TYPE 1D. Identifiers: MedGen C1837229, MONDO:0012138, OMIM 608840.
Muscular dystrophy-dystroglycanopathy (congenital with brain and eye anomalies), type A6. Also called: MUSCULAR DYSTROPHY-DYSTROGLYCANOPATHY (CONGENITAL WITH BRAIN AND EYE ANOMALIES), TYPE A, 6; WALKER-WARBURG SYNDROME OR MUSCLE-EYE-BRAIN DISEASE, LARGE-RELATED. Identifiers: Orphanet 588, Orphanet 899, MedGen C3150414, MONDO:0013158, OMIM 613154.

Allele frequency attached by ClinVar (database versions not stated): TOPMed 0.09032; gnomAD 0.09348 and 0.09462; 1000 Genomes Project 30x 0.09557; 1000 Genomes Project 0.10104.
gnomAD v4.1: 139,203 of 1,293,070 alleles (11%); highest among the groups gnomAD compares: East Asian, 22%; 8,422 homozygotes.

Submissions (4):

Illumina Laboratory Services, Illumina
Classification: Benign for Muscular dystrophy-dystroglycanopathy type B6. Last evaluated: 2018-01-12. Review status: criteria provided, single submitter. Criteria: ICSL Variant Classification Criteria 13 December 2019. Collection method: clinical testing. Allele origin: germline.
Comment: This variant was observed in the ICSL laboratory as part of a predisposition screen in an ostensibly healthy population. It had not been previously curated by ICSL or reported in the Human Gene Mutation Database (HGMD: prior to June 1st, 2018), and was therefore a candidate for classification through an automated scoring system. Utilizing variant allele frequency, disease prevalence and penetrance estimates, and inheritance mode, an automated score was calculated to assess if this variant is too frequent to cause the disease. Based on the score and internal cut-off values, a variant classified as benign is not then subjected to further curation. The score for this variant resulted in a classification of benign for this disease.

Illumina Laboratory Services, Illumina
Classification: Benign for Muscular dystrophy-dystroglycanopathy (congenital with brain and eye anomalies), type A6. Last evaluated: 2018-01-12. Review status: criteria provided, single submitter. Criteria: ICSL Variant Classification Criteria 13 December 2019. Collection method: clinical testing. Allele origin: germline.
Comment: the same text as in the submission from Illumina Laboratory Services, Illumina above.

GeneDx
Classification: Benign. Last evaluated: 2014-01-07. Review status: criteria provided, single submitter. Criteria: GeneDx Variant Classification (06012015). Collection method: clinical testing. Allele origin: germline. Affected: yes.
Comment: This variant is considered likely benign or benign based on one or more of the following criteria: it is a conservative change, it occurs at a poorly conserved position in the protein, it is predicted to be benign by multiple in silico algorithms, and/or has population frequency not consistent with disease.

Breakthrough Genomics
Classification: Benign. Review status: criteria provided, single submitter. Criteria: ACMG Guidelines, 2015. Collection method: not provided. Allele origin: germline. Inheritance: Autosomal recessive inheritance. Affected: yes.